The following is an entry in ClinVar:

ClinVar aggregate classification (germline): Uncertain significance. Review status: criteria provided, multiple submitters, no conflicts (2 of 4 stars). 2 submissions from 2 submitters: Uncertain significance (2). Last evaluated 2025-12-15.

Conditions:
Inborn genetic diseases. Identifiers: MedGen C0950123, MeSH D030342.

Allele frequency attached by ClinVar (database versions not stated): TOPMed 0.00001.
gnomAD v4.1: 40 of 1,536,592 alleles (0.0026%); highest among the groups gnomAD compares: Middle Eastern, 0.035%; no homozygotes.

Submissions (2):

Labcorp Genetics (formerly Invitae), Labcorp
Classification: Uncertain significance. Last evaluated: 2025-12-15. Review status: criteria provided, single submitter. Criteria: Invitae Variant Classification Sherloc (09022015). Collection method: clinical testing. Allele origin: germline.
Comment: This sequence change replaces valine, which is neutral and non-polar, with methionine, which is neutral and non-polar, at codon 910 of the TUBGCP6 protein (p.Val910Met). This variant is present in population databases (rs745309410, gnomAD 0.03%). This variant has not been reported in the literature in individuals affected with TUBGCP6-related conditions. ClinVar contains an entry for this variant (Variation ID: 1418519). An algorithm developed to predict the effect of missense changes on protein structure and function outputs the following: PolyPhen-2: "Benign". The methionine amino acid residue is found in multiple mammalian species, which suggests that this missense change does not adversely affect protein function. In summary, the available evidence is currently insufficient to determine the role of this variant in disease. Therefore, it has been classified as a Variant of Uncertain Significance.

Ambry Genetics
Classification: Uncertain significance for Inborn genetic diseases. Last evaluated: 2023-03-23. Review status: criteria provided, single submitter. Criteria: Ambry Variant Classification Scheme 2023. Collection method: clinical testing. Allele origin: germline.

NM_020461.4(TUBGCP6):c.2728G>A (p.Val910Met)

Gene: TUBGCP6 (tubulin gamma complex component 6; minus strand). Cytogenetic location: 22q13.33.
Variant type: single nucleotide variant.
Coding change: c.2728G>A on transcript NM_020461.4 (MANE Select); coding-DNA position 2728, G replaced by A.
Protein change: p.Val910Met; replaces valine 910 with methionine.
Molecular consequence: missense variant.
Genome position (GRCh38, 1-based): chr22:50,221,631, C>T on the plus strand (G>A on the coding strand, the complement: TUBGCP6 is on the minus strand). VCF-style: chr22-50221631-C-T. GRCh37 (hg19) VCF-style: chr22-50660060-C-T.
Other names: c.2728G>A (NM_020461.3); short protein forms V910M.
Identifiers: ClinVar variation 1418519 (VCV001418519.9), dbSNP rs745309410, ClinGen allele CA10308126.
Genomic context (GRCh38, chr22:50,221,631, plus strand): 5'-GCAGGTCCAAGTTAATGGTCTGCAGCGCCACCTCCAGGAGAGGGACCATGCCAGTCTGCA[C>T]GGACGGCTCAGCCCCTGGGCCCACAGGTAGGAAGTCTCCAATGCTGAGGCTGTCAGAGAA-3'
Protein context (NP_065194.3, residues 900-920): LPVGPGAEPS[Val910Met]QTGMVPLLEV